The following is an entry in ClinVar:

NM_006516.4(SLC2A1):c.578T>A (p.Ile193Asn)

Gene: SLC2A1 (solute carrier family 2 member 1; minus strand). Cytogenetic location: 1p34.2.
Variant type: single nucleotide variant.
Coding change: c.578T>A on transcript NM_006516.4 (MANE Select); coding-DNA position 578, T replaced by A.
Protein change: p.Ile193Asn; replaces isoleucine 193 with asparagine.
Molecular consequence: missense variant.
Genome position (GRCh38, 1-based): chr1:42,929,974, A>T on the plus strand (T>A on the coding strand, the complement: SLC2A1 is on the minus strand). VCF-style: chr1-42929974-A-T. GRCh37 (hg19) VCF-style: chr1-43395645-A-T.
Other names: short protein forms I193N.
Identifiers: ClinVar variation 4799894 (VCV004799894.1).

ClinVar aggregate classification (germline): Uncertain significance (1 of 4 stars; one submission).

Conditions:
GLUT1 deficiency syndrome 1, autosomal recessive. Identifiers: MedGen C3149117.

Submission:

Labcorp Genetics (formerly Invitae), Labcorp
Classification: Uncertain significance for GLUT1 deficiency syndrome 1, autosomal recessive. Last evaluated: 2025-06-01. Review status: criteria provided, single submitter. Criteria: Invitae Variant Classification Sherloc (09022015). Collection method: clinical testing. Allele origin: germline.
Comment: This sequence change replaces isoleucine, which is neutral and non-polar, with asparagine, which is neutral and polar, at codon 193 of the SLC2A1 protein (p.Ile193Asn). This variant is not present in population databases (gnomAD no frequency). This variant has not been reported in the literature in individuals affected with SLC2A1-related conditions. Invitae Evidence Modeling of protein sequence and biophysical properties (such as structural, functional, and spatial information, amino acid conservation, physicochemical variation, residue mobility, and thermodynamic stability) has been performed for this missense variant. However, the output from this modeling did not meet the statistical confidence thresholds required to predict the impact of this variant on SLC2A1 protein function. In summary, the available evidence is currently insufficient to determine the role of this variant in disease. Therefore, it has been classified as a Variant of Uncertain Significance.